The following is an entry in ClinVar:

NM_000256.3(MYBPC3):c.1222A>C (p.Ser408Arg)

Gene: MYBPC3 (myosin binding protein C3; minus strand). Cytogenetic location: 11p11.2.
Variant type: single nucleotide variant.
Coding change: c.1222A>C on transcript NM_000256.3 (MANE Select); coding-DNA position 1222, A replaced by C.
Protein change: p.Ser408Arg; replaces serine 408 with arginine.
Molecular consequence: missense variant.
Genome position (GRCh38, 1-based): chr11:47,343,493, T>G on the plus strand (A>C on the coding strand, the complement: MYBPC3 is on the minus strand). VCF-style: chr11-47343493-T-G. GRCh37 (hg19) VCF-style: chr11-47365044-T-G.
Other names: p.S408R:AGC>CGC; c.1222A>C, p.Ser408Arg (LRG_386t1); short protein forms S408R.
Identifiers: ClinVar variation 181065 (VCV000181065.2), dbSNP rs730880638, ClinGen allele CA009884.

ClinVar aggregate classification (germline): Uncertain significance (1 of 4 stars; one submission).

Allele frequency attached by ClinVar (database versions not stated): gnomAD 0.00001; TOPMed 0.00001 and below 0.00001.
gnomAD v4.1: 1 of 1,254,658 alleles (0.00008%); highest among the groups gnomAD compares: Admixed American, 0.002%; no homozygotes.

Submission:

GeneDx
Classification: Uncertain significance. Last evaluated: 2014-05-14. Review status: criteria provided, single submitter. Criteria: GeneDx Variant Classification (06012015). Collection method: clinical testing. Allele origin: germline. Affected: yes.
Comment: p.Ser408Arg (AGC>CGC): c.1222 A>C in exon 13 of the MYBPC3 gene (NM_000256.3)A variant of unknown significance has been identified in the MYBPC3 gene. The S408R variant has not been published as a mutation, nor has it been reported as a benign polymorphism to our knowledge. The S408R variant was not observed in approximately 6,000 individuals of European and African American ancestry in the NHLBI Exome Sequencing Project, indicating it is not a common benign variant in these populations. The S408R variant is a semi-conservative amino acid substitution, which may impact secondary protein structure as these residues differ in some properties. This substitution occurs at a position that is conserved across species. However, in silico analysis is inconsistent in its predictions as to whether or not the variant is damaging to the protein structure/function. Splice prediction algorithms predict that this substitution may have a damaging effect on the splice donor site. A missense mutation affecting the same residue (S408N) and a neighboring residue (G407S) have been reported in association with cardiomyopathy, supporting the functional importance of this residue and this region of the protein. However, S408N was reported in only one HCM patient with no segregation analysis, and in silico predictors were noted to be discordant for this variant (Waldmuller et al., 2011). Therefore, based on the currently available information, it is unclear whether this variant is a pathogenic mutation or a rare benign variant. Mutations in the MYBPC3 gene have been reported in 20%-30% of patients with autosomal dominant familial hypertrophic cardiomyopathy (HCM), and have been reported less frequently in patients with autosomal dominant familial dilated cardiomyopathy (DCM) (Cirino A et al., 2011; Hershberger R et al., 2009). The variant is found in HCM panel(s).